The following is an entry in ClinVar:

NM_005228.5(EGFR):c.28G>A (p.Ala10Thr)

Gene: EGFR (epidermal growth factor receptor; plus strand). Cytogenetic location: 7p11.2.
Variant type: single nucleotide variant.
Coding change: c.28G>A on transcript NM_005228.5 (MANE Select); coding-DNA position 28, G replaced by A.
Protein change: p.Ala10Thr; replaces alanine 10 with threonine.
Molecular consequence: missense variant.
Genome position (GRCh38, 1-based): chr7:55,019,305, G>A. VCF-style: chr7-55019305-G-A. GRCh37 (hg19) VCF-style: chr7-55086998-G-A.
Other names: c.28G>A, p.Ala10Thr (NM_001346897.2, NM_001346898.2, NM_001346899.2 and 4 more transcripts); short protein forms A10T.
Identifiers: ClinVar variation 2807954 (VCV002807954.3), dbSNP rs2128853375, ClinGen allele CA367611206.

ClinVar aggregate classification (germline): Uncertain significance (1 of 4 stars; one submission).

Conditions:
EGFR-related lung cancer (EGFR). Identifiers: MedGen CN130014.

Allele frequency attached by ClinVar (database versions not stated): gnomAD exomes below 0.00001.
gnomAD v4.1: 1 of 1,517,372 alleles (0.000066%); highest among the groups gnomAD compares: Non-Finnish European, 0.000089%; no homozygotes.

Submission:

Labcorp Genetics (formerly Invitae), Labcorp
Classification: Uncertain significance for EGFR-related lung cancer. Last evaluated: 2022-11-01. Review status: criteria provided, single submitter. Criteria: Invitae Variant Classification Sherloc (09022015). Collection method: clinical testing. Allele origin: germline.
Comment: This variant is not present in population databases (gnomAD no frequency). In summary, the available evidence is currently insufficient to determine the role of this variant in disease. Therefore, it has been classified as a Variant of Uncertain Significance. Algorithms developed to predict the effect of missense changes on protein structure and function output the following: SIFT: "Tolerated"; PolyPhen-2: "Benign"; Align-GVGD: "Class C0". The threonine amino acid residue is found in multiple mammalian species, which suggests that this missense change does not adversely affect protein function. This variant has not been reported in the literature in individuals affected with EGFR-related conditions. This sequence change replaces alanine, which is neutral and non-polar, with threonine, which is neutral and polar, at codon 10 of the EGFR protein (p.Ala10Thr).